The following is an entry in ClinVar:

ClinVar aggregate classification (germline): Likely benign (1 of 4 stars; one submission).

Allele frequency attached by ClinVar (database versions not stated): gnomAD exomes 0.00056; gnomAD 0.00624 and 0.00651; TOPMed 0.00685; 1000 Genomes Project 30x 0.00796; 1000 Genomes Project 0.00819.
gnomAD v4.1: 1,639 of 1,362,450 alleles (0.12%); highest among the groups gnomAD compares: African/African-American, 2.2%; 21 homozygotes.

Submission:

GeneDx
Classification: Likely benign. Last evaluated: 2018-06-19. Review status: criteria provided, single submitter. Criteria: GeneDx Variant Classification (06012015). Collection method: clinical testing. Allele origin: germline. Affected: yes.
Comment: This variant is considered likely benign or benign based on one or more of the following criteria: it is a conservative change, it occurs at a poorly conserved position in the protein, it is predicted to be benign by multiple in silico algorithms, and/or has population frequency not consistent with disease.

NM_007078.3(LDB3):c.897-6907A>G

Gene: LDB3 (LIM domain binding 3; plus strand). Cytogenetic location: 10q23.2.
Variant type: single nucleotide variant.
Coding change: c.897-6907A>G on transcript NM_007078.3 (MANE Select); 6907 bases into the intron before coding-DNA position 897, A replaced by G.
Molecular consequence: intron variant. On other transcripts: 3 prime UTR variant (6).
Genome position (GRCh38, 1-based): chr10:86,699,624, A>G. VCF-style: chr10-86699624-A-G. GRCh37 (hg19) VCF-style: chr10-88459381-A-G.
Other names: c.*250A>G (NM_001080115.2, NM_001080116.1, NM_001171611.2 and 3 more transcripts); c.896+7053A>G (NM_001368064.1, NM_001368065.1); c.1100+7053A>G (NM_001171610.2); c.756-6907A>G (NM_001368066.1); c.755+7053A>G (NM_001080114.2).
Identifiers: ClinVar variation 674007 (VCV000674007.1), dbSNP rs79068721, ClinGen allele CA211191542.